The following is an entry in ClinVar:

ClinVar aggregate classification (germline): Uncertain significance (1 of 4 stars; one submission).

gnomAD v4.1: 3 of 1,607,208 alleles (0.00019%); highest among the groups gnomAD compares: East Asian, 0.0067%; no homozygotes.

Submission:

Labcorp Genetics (formerly Invitae), Labcorp
Classification: Uncertain significance. Last evaluated: 2022-08-09. Review status: criteria provided, single submitter. Criteria: Invitae Variant Classification Sherloc (09022015). Collection method: clinical testing. Allele origin: germline.
Comment: This sequence change replaces isoleucine, which is neutral and non-polar, with phenylalanine, which is neutral and non-polar, at codon 363 of the CNGB3 protein (p.Ile363Phe). This variant is not present in population databases (gnomAD no frequency). This variant has not been reported in the literature in individuals affected with CNGB3-related conditions. ClinVar contains an entry for this variant (Variation ID: 1040818). Advanced modeling of protein sequence and biophysical properties (such as structural, functional, and spatial information, amino acid conservation, physicochemical variation, residue mobility, and thermodynamic stability) performed at Invitae indicates that this missense variant is not expected to disrupt CNGB3 protein function. In summary, the available evidence is currently insufficient to determine the role of this variant in disease. Therefore, it has been classified as a Variant of Uncertain Significance.

NM_019098.5(CNGB3):c.1087A>T (p.Ile363Phe)

Gene: CNGB3 (cyclic nucleotide gated channel subunit beta 3; minus strand). Cytogenetic location: 8q21.3.
Variant type: single nucleotide variant.
Coding change: c.1087A>T on transcript NM_019098.5 (MANE Select); coding-DNA position 1087, A replaced by T.
Protein change: p.Ile363Phe; replaces isoleucine 363 with phenylalanine.
Molecular consequence: missense variant.
Genome position (GRCh38, 1-based): chr8:86,643,842, T>A on the plus strand (A>T on the coding strand, the complement: CNGB3 is on the minus strand). VCF-style: chr8-86643842-T-A. GRCh37 (hg19) VCF-style: chr8-87656070-T-A.
Other names: short protein forms I363F.
Identifiers: ClinVar variation 1040818 (VCV001040818.6), dbSNP rs748977433, ClinGen allele CA371446893.